The following is an entry in ClinVar:

NM_001136472.2(LITAF):c.404C>T (p.Pro135Leu)

Gene: LITAF (lipopolysaccharide induced TNF factor; minus strand). Cytogenetic location: 16p13.13.
Variant type: single nucleotide variant.
Coding change: c.404C>T on transcript NM_001136472.2 (MANE Select); coding-DNA position 404, C replaced by T.
Protein change: p.Pro135Leu; replaces proline 135 with leucine.
Molecular consequence: missense variant. On other transcripts: 3 prime UTR variant (1), non-coding transcript variant (1).
Genome position (GRCh38, 1-based): chr16:11,549,719, G>A on the plus strand (C>T on the coding strand, the complement: LITAF is on the minus strand). VCF-style: chr16-11549719-G-A. GRCh37 (hg19) VCF-style: chr16-11643575-G-A.
Other names: c.*43C>T (NM_001136473.1); c.404C>T, p.Pro135Leu (NM_004862.4); short protein forms P135L.
Identifiers: ClinVar variation 664834 (VCV000664834.8), dbSNP rs797044848, ClinGen allele CA394763559.

ClinVar aggregate classification (germline): Uncertain significance (1 of 4 stars; one submission).

Conditions:
Charcot-Marie-Tooth disease type 1C. Also called: CHARCOT-MARIE-TOOTH DISEASE, DEMYELINATING, TYPE 1C; CMT, SLOW NERVE CONDUCTION TYPE C; Charcot-Marie-Tooth disease, type IC; HMSN IC; CHARCOT-MARIE-TOOTH NEUROPATHY, TYPE 1C; NEUROPATHY, HEREDITARY MOTOR AND SENSORY, TYPE IC. Identifiers: Orphanet 101083, MedGen C0270913, MONDO:0010995, OMIM 601098.

Allele frequency attached by ClinVar (database versions not stated): gnomAD exomes below 0.00001.
gnomAD v4.1: 1 of 1,613,706 alleles (0.000062%); highest among the groups gnomAD compares: Non-Finnish European, 0.000085%; no homozygotes.

Submission:

Labcorp Genetics (formerly Invitae), Labcorp
Classification: Uncertain significance for Charcot-Marie-Tooth disease type 1C. Last evaluated: 2025-05-31. Review status: criteria provided, single submitter. Criteria: Invitae Variant Classification Sherloc (09022015). Collection method: clinical testing. Allele origin: germline.
Comment: This sequence change replaces proline, which is neutral and non-polar, with leucine, which is neutral and non-polar, at codon 135 of the LITAF protein (p.Pro135Leu). This variant is not present in population databases (gnomAD no frequency). This missense change has been observed in individual(s) with Charcot-Marie-Tooth disease (PMID: 28211240). ClinVar contains an entry for this variant (Variation ID: 664834). An algorithm developed to predict the effect of missense changes on protein structure and function (PolyPhen-2) suggests that this variant is likely to be disruptive. This variant disrupts the p.Pro135 amino acid residue in LITAF. Other variant(s) that disrupt this residue have been determined to be pathogenic (PMID: 16787513, 21896645, 23166352, 23576546, 25058650). This suggests that this residue is clinically significant, and that variants that disrupt this residue are likely to be disease-causing. In summary, the available evidence is currently insufficient to determine the role of this variant in disease. Therefore, it has been classified as a Variant of Uncertain Significance.

Literature cited by the submitters: PubMed 28211240; PubMed 16787513; PubMed 21896645; PubMed 23166352; PubMed 23576546; PubMed 25058650.